The following is an entry in ClinVar:

NM_006904.7(PRKDC):c.2090A>T (p.Asp697Val)

Gene: PRKDC (protein kinase, DNA-activated, catalytic subunit; minus strand). Cytogenetic location: 8q11.21.
Variant type: single nucleotide variant.
Coding change: c.2090A>T on transcript NM_006904.7 (MANE Select); coding-DNA position 2090, A replaced by T.
Protein change: p.Asp697Val; replaces aspartic acid 697 with valine.
Molecular consequence: missense variant.
Genome position (GRCh38, 1-based): chr8:47,929,141, T>A on the plus strand (A>T on the coding strand, the complement: PRKDC is on the minus strand). VCF-style: chr8-47929141-T-A. GRCh37 (hg19) VCF-style: chr8-48841701-T-A.
Other names: c.2090A>T, p.Asp697Val (NM_001081640.2); short protein forms D697V.
Identifiers: ClinVar variation 1785729 (VCV001785729.2), dbSNP rs2551878481, ClinGen allele CA371163854.
Genomic context (GRCh38, chr8:47,929,141, plus strand): 5'-TTAAAAATTACCTCTTTGCCAAATTTCACAAATAAAGCAAAGCAAGAATACTTTTCTGGG[T>A]CTTCAGGAGAGTGTTTCAGACTCTTTGGACTAACTCCCTGTCAAATAAAACAGCAAGTTA-3'
Protein context (NP_008835.5, residues 687-707): SPKSLKHSPE[Asp697Val]PEKYSCFALF

ClinVar aggregate classification (germline): Uncertain significance (1 of 4 stars; one submission).

Submission:

Ambry Genetics
Classification: Uncertain significance. Last evaluated: 2021-08-28. Review status: criteria provided, single submitter. Criteria: Ambry Variant Classification Scheme 2023. Collection method: clinical testing. Allele origin: germline.
Comment: The p.D697V variant (also known as c.2090A>T), located in coding exon 19 of the PRKDC gene, results from an A to T substitution at nucleotide position 2090. The aspartic acid at codon 697 is replaced by valine, an amino acid with highly dissimilar properties. This amino acid position is conserved. In addition, the in silico prediction for this alteration is inconclusive. Since supporting evidence is limited at this time, the clinical significance of this alteration remains unclear.